The following is an entry in ClinVar:

ClinVar aggregate classification (germline): Uncertain significance (1 of 4 stars; one submission).

Conditions:
SLC39A14-related disorder. Also called: SLC39A14-related condition.

gnomAD v4.1: 1 of 1,613,808 alleles (0.000062%); highest among the groups gnomAD compares: Admixed American, 0.0017%; no homozygotes.

Submission:

PreventionGenetics, part of Exact Sciences
Classification: Uncertain significance for SLC39A14-related condition. Last evaluated: 2026-02-11. Review status: criteria provided, single submitter. Criteria: ACMG Guidelines, 2015. Collection method: clinical testing. Allele origin: germline.
Comment: The SLC39A14 c.283G>A variant is predicted to result in the amino acid substitution p.Gly95Arg. To our knowledge, this variant has not been reported in the literature or in a large population database (gnomAD), indicating this variant is rare. At this time, the clinical significance of this variant is uncertain due to the absence of conclusive functional and genetic evidence.

NM_001128431.4(SLC39A14):c.283G>A (p.Gly95Arg)

Gene: SLC39A14 (solute carrier family 39 member 14; plus strand). Cytogenetic location: 8p21.3.
Variant type: single nucleotide variant.
Coding change: c.283G>A on transcript NM_001128431.4 (MANE Select); coding-DNA position 283, G replaced by A.
Protein change: p.Gly95Arg; replaces glycine 95 with arginine.
Molecular consequence: missense variant.
Genome position (GRCh38, 1-based): chr8:22,408,322, G>A. VCF-style: chr8-22408322-G-A. GRCh37 (hg19) VCF-style: chr8-22265835-G-A.
Other names: c.283G>A, p.Gly95Arg (NM_001135153.3, NM_001135154.3, NM_001351655.2 and 3 more transcripts); c.313G>A, p.Gly105Arg (NM_001351657.2, NM_001351658.2, NM_001351659.2); short protein forms G95R, G105R.
Identifiers: ClinVar variation 4982169 (VCV004982169.1).